The following is an entry in ClinVar:

ClinVar aggregate classification (germline): Uncertain significance (1 of 4 stars; one submission).

Submission:

Labcorp Genetics (formerly Invitae), Labcorp
Classification: Uncertain significance. Last evaluated: 2025-04-09. Review status: criteria provided, single submitter. Criteria: Invitae Variant Classification Sherloc (09022015). Collection method: clinical testing. Allele origin: germline.
Comment: This sequence change replaces serine, which is neutral and polar, with tyrosine, which is neutral and polar, at codon 122 of the WNT5A protein (p.Ser122Tyr). This variant is not present in population databases (gnomAD no frequency). This variant has not been reported in the literature in individuals affected with WNT5A-related conditions. Invitae Evidence Modeling of protein sequence and biophysical properties (such as structural, functional, and spatial information, amino acid conservation, physicochemical variation, residue mobility, and thermodynamic stability) indicates that this missense variant is not expected to disrupt WNT5A protein function with a negative predictive value of 80%. In summary, the available evidence is currently insufficient to determine the role of this variant in disease. Therefore, it has been classified as a Variant of Uncertain Significance.

NM_003392.7(WNT5A):c.365C>A (p.Ser122Tyr)

Gene: WNT5A (Wnt family member 5A; minus strand). Cytogenetic location: 3p14.3.
Variant type: single nucleotide variant.
Coding change: c.365C>A on transcript NM_003392.7 (MANE Select); coding-DNA position 365, C replaced by A.
Protein change: p.Ser122Tyr; replaces serine 122 with tyrosine.
Molecular consequence: missense variant.
Genome position (GRCh38, 1-based): chr3:55,479,340, G>T on the plus strand (C>A on the coding strand, the complement: WNT5A is on the minus strand). VCF-style: chr3-55479340-G-T. GRCh37 (hg19) VCF-style: chr3-55513368-G-T.
Other names: c.320C>A, p.Ser107Tyr (NM_001256105.1, NM_001377271.1, NM_001377272.1); short protein forms S107Y, S122Y.
Identifiers: ClinVar variation 4744596 (VCV004744596.1).